The following is an entry in ClinVar:

NM_005120.3(MED12):c.3619C>G (p.Leu1207Val)

Gene: MED12 (mediator complex subunit 12; plus strand). Cytogenetic location: Xq13.1.
Variant type: single nucleotide variant.
Coding change: c.3619C>G on transcript NM_005120.3 (MANE Select); coding-DNA position 3619, C replaced by G.
Protein change: p.Leu1207Val; replaces leucine 1207 with valine.
Molecular consequence: missense variant.
Genome position (GRCh38, 1-based): chrX:71,129,357, C>G. VCF-style: chrX-71129357-C-G. GRCh37 (hg19) VCF-style: chrX-70349207-C-G.
Other names: short protein forms L1207V.
Identifiers: ClinVar variation 1409349 (VCV001409349.8), dbSNP rs2092311035, ClinGen allele CA413520203.
Genomic context (GRCh38, chrX:71,129,357, plus strand): 5'-ACTTCATCGCCTTCCCCAGACAAGCCTACAGTAGGAATCCGCTCCTCCTGCGACCGCCAC[C>G]TGCTGGCTGCCTCCCAGAACCGCATCGTGGATGGAGCCGTGTTTGCTGTTCTCAAGGCTG-3'
Protein context (NP_005111.2, residues 1197-1217): VGIRSSCDRH[Leu1207Val]LAASQNRIVD

ClinVar aggregate classification (germline): Uncertain significance (1 of 4 stars; one submission).

Conditions:
FG syndrome (FGS). Identifiers: MedGen C0220769, MONDO:0002010.

Submission:

Labcorp Genetics (formerly Invitae), Labcorp
Classification: Uncertain significance for FG syndrome. Last evaluated: 2022-08-09. Review status: criteria provided, single submitter. Criteria: Invitae Variant Classification Sherloc (09022015). Collection method: clinical testing. Allele origin: germline.
Comment: Algorithms developed to predict the effect of missense changes on protein structure and function (SIFT, PolyPhen-2, Align-GVGD) all suggest that this variant is likely to be disruptive. ClinVar contains an entry for this variant (Variation ID: 1409349). This variant has not been reported in the literature in individuals affected with MED12-related conditions. This variant is not present in population databases (gnomAD no frequency). This sequence change replaces leucine, which is neutral and non-polar, with valine, which is neutral and non-polar, at codon 1207 of the MED12 protein (p.Leu1207Val). In summary, the available evidence is currently insufficient to determine the role of this variant in disease. Therefore, it has been classified as a Variant of Uncertain Significance.